The following is an entry in ClinVar:

NM_031220.4(PITPNM3):c.1697C>G (p.Pro566Arg)

Gene: PITPNM3 (PITPNM family member 3; minus strand). Cytogenetic location: 17p13.2.
Variant type: single nucleotide variant.
Coding change: c.1697C>G on transcript NM_031220.4 (MANE Select); coding-DNA position 1697, C replaced by G.
Protein change: p.Pro566Arg; replaces proline 566 with arginine.
Molecular consequence: missense variant.
Genome position (GRCh38, 1-based): chr17:6,470,336, G>C on the plus strand (C>G on the coding strand, the complement: PITPNM3 is on the minus strand). VCF-style: chr17-6470336-G-C. GRCh37 (hg19) VCF-style: chr17-6373656-G-C.
Other names: c.1589C>G, p.Pro530Arg (NM_001165966.2); short protein forms P530R, P566R.
Identifiers: ClinVar variation 2121922 (VCV002121922.4), dbSNP rs2543996004, ClinGen allele CA397404690.

ClinVar aggregate classification (germline): Uncertain significance (1 of 4 stars; one submission).

Submission:

Labcorp Genetics (formerly Invitae), Labcorp
Classification: Uncertain significance. Last evaluated: 2025-04-14. Review status: criteria provided, single submitter. Criteria: Invitae Variant Classification Sherloc (09022015). Collection method: clinical testing. Allele origin: germline.
Comment: This sequence change replaces proline, which is neutral and non-polar, with arginine, which is basic and polar, at codon 566 of the PITPNM3 protein (p.Pro566Arg). This variant is not present in population databases (gnomAD no frequency). This variant has not been reported in the literature in individuals affected with PITPNM3-related conditions. ClinVar contains an entry for this variant (Variation ID: 2121922). Invitae Evidence Modeling of protein sequence and biophysical properties (such as structural, functional, and spatial information, amino acid conservation, physicochemical variation, residue mobility, and thermodynamic stability) indicates that this missense variant is expected to disrupt PITPNM3 protein function with a positive predictive value of 80%. In summary, the available evidence is currently insufficient to determine the role of this variant in disease. Therefore, it has been classified as a Variant of Uncertain Significance.